The following is an entry in ClinVar:

NM_001458.5(FLNC):c.290T>G (p.Leu97Arg)

Gene: FLNC (filamin C; plus strand). Cytogenetic location: 7q32.1.
Variant type: single nucleotide variant.
Coding change: c.290T>G on transcript NM_001458.5 (MANE Select); coding-DNA position 290, T replaced by G.
Protein change: p.Leu97Arg; replaces leucine 97 with arginine.
Molecular consequence: missense variant.
Genome position (GRCh38, 1-based): chr7:128,830,927, T>G. VCF-style: chr7-128830927-T-G. GRCh37 (hg19) VCF-style: chr7-128470981-T-G.
Other names: c.290T>G, p.Leu97Arg (NM_001127487.2); c.290T>G (NM_001458.4); short protein forms L97R.
Identifiers: ClinVar variation 1045402 (VCV001045402.10), dbSNP rs1585147935, ClinGen allele CA369216868.
Genomic context (GRCh38, chr7:128,830,927, plus strand): 5'-TCAGCCAGAAGCGCATGTACCGCAAGTTCCATCCGCGCCCCAACTTCCGCCAAATGAAGC[T>G]GGAGAACGTGTCCGTGGCCCTCGAGTTCCTCGAGCGCGAGCACATCAAGCTCGTGTCCAT-3'
Protein context (NP_001449.3, residues 87-107): HPRPNFRQMK[Leu97Arg]ENVSVALEFL

ClinVar aggregate classification (germline): Uncertain significance. Review status: criteria provided, multiple submitters, no conflicts (2 of 4 stars). 2 submissions from 2 submitters: Uncertain significance (2). Last evaluated 2024-10-10.

Conditions:
Myofibrillar myopathy 5. Also called: Filaminopathy (type); FILAMINOPATHY, AUTOSOMAL DOMINANT. Identifiers: Orphanet 171445, MedGen C1836050, MONDO:0012289, OMIM 609524.
Distal myopathy with posterior leg and anterior hand involvement. Also called: WILLIAMS DISTAL MYOPATHY. Identifiers: Orphanet 63273, MedGen C3279722, MONDO:0013550, OMIM 614065.
Hypertrophic cardiomyopathy 26. Also called: Cardiomyopathy, familial hypertrophic, 26. Identifiers: Orphanet 75249, MedGen C4310749, MONDO:0014883, OMIM 617047.
Primary dilated cardiomyopathy (DCM). Also called: Dilated Cardiomyopathy. Identifiers: Orphanet 217604, MedGen C0007193, MeSH D002311, MONDO:0005021, HP:0001644. Inheritance: Various modes of inheritance.

Submissions (2):

Victorian Clinical Genetics Services, Murdoch Childrens Research Institute
Classification: Uncertain significance for Primary dilated cardiomyopathy. Last evaluated: 2024-10-10. Review status: criteria provided, single submitter. Criteria: ACMG Guidelines, 2015. Collection method: clinical testing. Allele origin: germline. Inheritance: Autosomal dominant inheritance. Affected: yes.
Comment: Based on the classification scheme VCGS_Germline_v1.3.5, this variant is classified as VUS-3A. Following criteria are met: 0103 - Loss of function and gain of function are known mechanisms of disease in this gene. Loss of function is the established mechanism of disease for variants in dilated cardiomyopathy (PMID: 32112656), familial hypertrophic cardiomyopathy 26 (MIM#617047), familial restrictive cardiomyopathy 5 (MIM#617047), familial arrhythmogenic right ventricular dysplasia (MIM#617047), and myofibrillar myopathy 5 (MIM#609524). In distal myopathy 4 (MIM#614065), NMD-predicted variants cause a loss of function, however missense variants have been shown to result in a toxic gain of function (PMID: 32112656). (I) 0107 - This gene is associated with autosomal dominant disease. Variants located throughout the gene that are predicted to result in nonsense-mediated decay (NMD) are enriched in dilated cardiomyopathy, whereas missense variants in the ROD2 domain are enriched in familial hypertrophic cardiomyopathy 26 and familial restrictive cardiomyopathy 5 (MIM#617047). Additionally, myofibrillar myopathy 5 (MIM#609524) is known to result from either missense variants in the ROD2 domain or truncating variants in the Ig-like domain 24, while missense variants in the actin-binding domain and NMD-predicted variants located in the Ig-like domain 15 and have been reported for distal myopathy 4 (MIM#614065) (PMID: 32112656). (I) 0200 - Variant is predicted to result in a missense amino acid change from leucine to arginine. (I) 0251 - This variant is heterozygous. (I) 0301 - Variant is absent from gnomAD (v2, v3 and v4). (SP) 0501 - Missense variant consistently predicted to be damaging by multiple in silico tools or highly conserved with a major amino acid change. (SP) 0600 - Variant is located in the annotated calponin homology (CH) domain (DECIPHER). (I) 0710 - Another missense variant comparable to the one identified in this case has inconclusive previous evidence for pathogenicity. p.(Leu97Pro) has been reported once as a VUS (ClinVar). (I) 0809 - Previous evidence of pathogenicity for this variant is inconclusive. This variant has been reported once as a VUS (ClinVar). (I) 0905 - No published segregation evidence has been identified for this variant. (I) 1007 - No published functional evidence has been identified for this variant. (SP) Legend: (SP) - Supporting pathogenic, (I) - Information, (SB) - Supporting benign

Labcorp Genetics (formerly Invitae), Labcorp
Classification: Uncertain significance for Distal myopathy with posterior leg and anterior hand involvement; Myofibrillar myopathy 5; Hypertrophic cardiomyopathy 26. Last evaluated: 2020-04-21. Review status: criteria provided, single submitter. Criteria: Invitae Variant Classification Sherloc (09022015). Collection method: clinical testing. Allele origin: germline.
Comment: In summary, the available evidence is currently insufficient to determine the role of this variant in disease. Therefore, it has been classified as a Variant of Uncertain Significance. Algorithms developed to predict the effect of missense changes on protein structure and function are either unavailable or do not agree on the potential impact of this missense change (SIFT: "Deleterious"; PolyPhen-2: "Possibly Damaging"; Align-GVGD: "Class C0"). This variant has not been reported in the literature in individuals with FLNC-related conditions. This variant is not present in population databases (ExAC no frequency). This sequence change replaces leucine with arginine at codon 97 of the FLNC protein (p.Leu97Arg). The leucine residue is highly conserved and there is a moderate physicochemical difference between leucine and arginine.

Literature cited by the submitters: PubMed 32112656 (cited by Victorian Clinical Genetics Services, Murdoch Childrens Research Institute).